The following is an entry in ClinVar:

NM_025137.4(SPG11):c.4907G>A (p.Gly1636Asp)

Gene: SPG11 (SPG11 vesicle trafficking associated, spatacsin; minus strand). Cytogenetic location: 15q21.1.
Variant type: single nucleotide variant.
Coding change: c.4907G>A on transcript NM_025137.4 (MANE Select); coding-DNA position 4907, G replaced by A.
Protein change: p.Gly1636Asp; replaces glycine 1636 with aspartic acid.
Molecular consequence: missense variant.
Genome position (GRCh38, 1-based): chr15:44,585,850, C>T on the plus strand (G>A on the coding strand, the complement: SPG11 is on the minus strand). VCF-style: chr15-44585850-C-T. GRCh37 (hg19) VCF-style: chr15-44878048-C-T.
Other names: c.4907G>A, p.Gly1636Asp (NM_001160227.2, NM_001411132.1); short protein forms G1636D.
Identifiers: ClinVar variation 4976418 (VCV004976418.1).
Genomic context (GRCh38, chr15:44,585,850, plus strand): 5'-ATGGCTATGGATGTATCCTTCAAAATCTGGCAAAGGATGCAAAGCTTTTTCACATCTGGA[C>T]CTGTGCCAAAGAGAAAAGGATATAAACATTTAGTCAATAAAATGCCACTACAGCATTTCA-3'
Protein context (NP_079413.3, residues 1626-1646): FVEREHLFSD[Gly1636Asp]PDVKKLCILC

ClinVar aggregate classification (germline): Uncertain significance (1 of 4 stars; one submission).

gnomAD v4.1: 5 of 1,613,554 alleles (0.00031%); highest among the groups gnomAD compares: Admixed American, 0.0083%; no homozygotes.

Submission:

GeneDx
Classification: Uncertain significance. Last evaluated: 2026-02-12. Review status: criteria provided, single submitter. Criteria: GeneDx Variant Classification Process June 2021. Collection method: clinical testing. Allele origin: germline.
Comment: Not observed at significant frequency in large population cohorts (gnomAD); In silico analysis suggests that this missense variant does not alter protein structure/function; Has not been previously published as pathogenic or benign to our knowledge